The following is an entry in ClinVar:

NM_001034853.2(RPGR):c.344A>G (p.Asn115Ser)

Gene: RPGR (retinitis pigmentosa GTPase regulator; minus strand). Cytogenetic location: Xp11.4.
Variant type: single nucleotide variant.
Coding change: c.344A>G on transcript NM_001034853.2 (MANE Select); coding-DNA position 344, A replaced by G.
Protein change: p.Asn115Ser; replaces asparagine 115 with serine.
Molecular consequence: missense variant. On other transcripts: non-coding transcript variant (6).
Genome position (GRCh38, 1-based): chrX:38,318,954, T>C on the plus strand (A>G on the coding strand, the complement: RPGR is on the minus strand). VCF-style: chrX-38318954-T-C. GRCh37 (hg19) VCF-style: chrX-38178207-T-C.
Other names: c.344A>G, p.Asn115Ser (NM_000328.3, NM_001367245.1, NM_001367246.1 and 3 more transcripts); c.374A>G, p.Asn125Ser (NM_001367248.1); c.341A>G, p.Asn114Ser (NM_001367249.1); c.344A>G (NM_000328.2); short protein forms N114S, N115S, N125S.
Identifiers: ClinVar variation 1389012 (VCV001389012.7), dbSNP rs2147280549, ClinGen allele CA412745264.

ClinVar aggregate classification (germline): Uncertain significance. Review status: criteria provided, multiple submitters, no conflicts (2 of 4 stars). 2 submissions from 2 submitters: Uncertain significance (2). Last evaluated 2025-05-15.

Conditions:
Primary ciliary dyskinesia. Also called: Ciliary dyskinesia. Identifiers: Orphanet 244, MedGen C0008780, MONDO:0016575, HP:0012265.

Submissions (2):

Ambry Genetics
Classification: Uncertain significance for Primary ciliary dyskinesia. Last evaluated: 2025-05-15. Review status: criteria provided, single submitter. Criteria: Ambry Variant Classification Scheme 2023. Collection method: clinical testing. Allele origin: germline.
Comment: The p.N115S variant (also known as c.344A>G), located in coding exon 5 of the RPGR gene, results from an A to G substitution at nucleotide position 344. The asparagine at codon 115 is replaced by serine, an amino acid with highly similar properties. This amino acid position is conserved. In addition, this alteration is predicted to be tolerated by in silico analysis. Based on the available evidence, the clinical significance of this variant remains unclear.

Labcorp Genetics (formerly Invitae), Labcorp
Classification: Uncertain significance for Primary ciliary dyskinesia. Last evaluated: 2022-03-14. Review status: criteria provided, single submitter. Criteria: Invitae Variant Classification Sherloc (09022015). Collection method: clinical testing. Allele origin: germline.
Comment: This sequence change replaces asparagine, which is neutral and polar, with serine, which is neutral and polar, at codon 115 of the RPGR protein (p.Asn115Ser). This variant is not present in population databases (gnomAD no frequency). This variant has not been reported in the literature in individuals affected with RPGR-related conditions. Algorithms developed to predict the effect of missense changes on protein structure and function output the following: SIFT: "Tolerated"; PolyPhen-2: "Benign"; Align-GVGD: "Class C0". The serine amino acid residue is found in multiple mammalian species, which suggests that this missense change does not adversely affect protein function. In summary, the available evidence is currently insufficient to determine the role of this variant in disease. Therefore, it has been classified as a Variant of Uncertain Significance.